The following is an entry in ClinVar:

ClinVar aggregate classification (germline): Uncertain significance (1 of 4 stars; one submission).

Conditions:
Cardiovascular phenotype. Identifiers: MedGen CN230736.
Hereditary cancer-predisposing syndrome. Also called: Tumor predisposition; Neoplastic Syndromes, Hereditary; Hereditary neoplastic syndrome; Hereditary Cancer Syndrome. Identifiers: Orphanet 140162, MedGen C0027672, MeSH D009386, MONDO:0015356.

Submission:

Ambry Genetics
Classification: Uncertain significance for Cardiovascular phenotype; Hereditary cancer-predisposing syndrome. Last evaluated: 2025-07-12. Review status: criteria provided, single submitter. Criteria: Ambry Variant Classification Scheme 2023. Collection method: clinical testing. Allele origin: germline.
Comment: The p.A518G variant (also known as c.1553C>G), located in coding exon 14 of the LZTR1 gene, results from a C to G substitution at nucleotide position 1553. The alanine at codon 518 is replaced by glycine, an amino acid with similar properties. This amino acid position is conserved. In addition, the in silico prediction for this alteration is inconclusive. Based on the available evidence, the clinical significance of this variant remains unclear.

NM_006767.4(LZTR1):c.1553C>G (p.Ala518Gly)

Gene: LZTR1 (leucine zipper like post translational regulator 1; plus strand). Cytogenetic location: 22q11.21.
Variant type: single nucleotide variant.
Coding change: c.1553C>G on transcript NM_006767.4 (MANE Select); coding-DNA position 1553, C replaced by G.
Protein change: p.Ala518Gly; replaces alanine 518 with glycine.
Molecular consequence: missense variant.
Genome position (GRCh38, 1-based): chr22:20,994,207, C>G. VCF-style: chr22-20994207-C-G. GRCh37 (hg19) VCF-style: chr22-21348496-C-G.
Other names: short protein forms A518G.
Identifiers: ClinVar variation 4101898 (VCV004101898.1).